The following is an entry in ClinVar:

ClinVar aggregate classification (germline): Uncertain significance (1 of 4 stars; one submission).

Conditions:
Cardiomyopathy (CMYO). Also called: Cardiomyopathies. Identifiers: Orphanet 167848, MedGen C0878544, MONDO:0004994, HP:0001638. Inheritance: Various modes of inheritance.

gnomAD v4.1: 2 of 1,612,232 alleles (0.00012%); highest among the groups gnomAD compares: Non-Finnish European, 0.00017%; no homozygotes.

Submission:

Color Diagnostics, LLC DBA Color Health
Classification: Uncertain significance for Cardiomyopathy. Last evaluated: 2020-02-21. Review status: criteria provided, single submitter. Criteria: ACMG Guidelines, 2015. Collection method: clinical testing. Allele origin: germline.
Comment: This missense variant replaces threonine with asparagine at codon 416 of the lamin A/C protein. Computational prediction suggests that this variant may not impact protein structure and function (internally defined REVEL score threshold <= 0.5, PMID: 27666373). Splice site prediction tools suggest that this variant may not impact RNA splicing. To our knowledge, functional studies have not been performed for this variant. This variant has not been reported in individuals affected with cardiovascular disorders in the literature. This variant has been identified in 1/250496 chromosomes in the general population by the Genome Aggregation Database (gnomAD). The available evidence is insufficient to determine the role of this variant in disease conclusively. Therefore, this variant is classified as a Variant of Uncertain Significance.

NM_170707.4(LMNA):c.1247C>A (p.Thr416Asn)

Gene: LMNA (lamin A/C; plus strand). Cytogenetic location: 1q22.
Variant type: single nucleotide variant.
Coding change: c.1247C>A on transcript NM_170707.4 (MANE Select); coding-DNA position 1247, C replaced by A.
Protein change: p.Thr416Asn; replaces threonine 416 with asparagine.
Molecular consequence: missense variant.
Genome position (GRCh38, 1-based): chr1:156,136,303, C>A. VCF-style: chr1-156136303-C-A. GRCh37 (hg19) VCF-style: chr1-156106094-C-A.
Other names: c.911C>A, p.Thr304Asn (NM_001257374.3); c.1004C>A, p.Thr335Asn (NM_001282624.2); c.1247C>A, p.Thr416Asn (NM_001282625.2, NM_001282626.2, NM_005572.4 and 1 more transcripts); short protein forms T416N, T304N, T335N.
Identifiers: ClinVar variation 920098 (VCV000920098.3), dbSNP rs752367284, ClinGen allele CA342821379.